The following is an entry in ClinVar:

ClinVar aggregate classification (germline): Likely pathogenic (1 of 4 stars; one submission).

Conditions:
Nemaline myopathy 2 (NEM2). Also called: Nemaline myopathy 2, autosomal recessive. Identifiers: MedGen C1850569, MONDO:0009725, OMIM 256030.

Submission:

Natera, Inc.
Classification: Likely pathogenic for Nemaline myopathy type 2. Last evaluated: 2025-09-05. Review status: criteria provided, single submitter. Criteria: Natera Variant Classification Schema (03/2026). Collection method: clinical testing. Allele origin: germline.
Comment: The c.17535G>A variant in NEB is a synonymous variant that does not alter the encoded amino acid at position 5845 (p.E5845=). This variant is rare in the general population with a frequency below the threshold expected for the associated phenotype(s). This variant has been observed in one or more individuals affected with the associated recessive disease, as either homozygous or compound heterozygous with a second variant (PMID: 24725366, 33820833). Computational prediction algorithms indicate this variant is likely to affect gene or protein function. Given the available evidence, this variant is classified as Likely Pathogenic.

Literature cited by the submitters: PubMed 24725366; PubMed 33820833.

NM_001164508.2(NEB):c.17535G>A (p.Glu5845=)

Gene: NEB (nebulin; minus strand). Cytogenetic location: 2q23.3.
Variant type: single nucleotide variant.
Coding change: c.17535G>A on transcript NM_001164508.2 (MANE Select); coding-DNA position 17535, G replaced by A.
Protein change: p.Glu5845=; no amino-acid change (glutamic acid 5845 retained).
Molecular consequence: synonymous variant.
Genome position (GRCh38, 1-based): chr2:151,569,268, C>T on the plus strand (G>A on the coding strand, the complement: NEB is on the minus strand). VCF-style: chr2-151569268-C-T. GRCh37 (hg19) VCF-style: chr2-152425782-C-T.
Other names: c.17535G>A, p.Glu5845= (NM_001164507.2, NM_001271208.2); c.12432G>A, p.Glu4144= (NM_004543.5).
Identifiers: ClinVar variation 4814736 (VCV004814736.1).